The following is an entry in ClinVar:

ClinVar aggregate classification (germline): Uncertain significance (1 of 4 stars; one submission).

Allele frequency attached by ClinVar (database versions not stated): gnomAD exomes below 0.00001.
gnomAD v4.1: 3 of 1,611,536 alleles (0.00019%); highest among the groups gnomAD compares: Non-Finnish European, 0.00025%; no homozygotes.

Submission:

Labcorp Genetics (formerly Invitae), Labcorp
Classification: Uncertain significance. Last evaluated: 2023-06-11. Review status: criteria provided, single submitter. Criteria: Invitae Variant Classification Sherloc (09022015). Collection method: clinical testing. Allele origin: germline.
Comment: This variant is not present in population databases (gnomAD no frequency). This sequence change replaces serine, which is neutral and polar, with asparagine, which is neutral and polar, at codon 432 of the PRPF31 protein (p.Ser432Asn). This variant has not been reported in the literature in individuals affected with PRPF31-related conditions. In summary, the available evidence is currently insufficient to determine the role of this variant in disease. Therefore, it has been classified as a Variant of Uncertain Significance. An algorithm developed to predict the effect of missense changes on protein structure and function (PolyPhen-2) suggests that this variant is likely to be tolerated.

NM_015629.4(PRPF31):c.1295G>A (p.Ser432Asn)

Gene: PRPF31 (pre-mRNA processing factor 31; plus strand). Cytogenetic location: 19q13.42.
Variant type: single nucleotide variant.
Coding change: c.1295G>A on transcript NM_015629.4 (MANE Select); coding-DNA position 1295, G replaced by A.
Protein change: p.Ser432Asn; replaces serine 432 with asparagine.
Molecular consequence: missense variant.
Genome position (GRCh38, 1-based): chr19:54,129,291, G>A. VCF-style: chr19-54129291-G-A. GRCh37 (hg19) VCF-style: chr19-54632666-G-A.
Other names: short protein forms S432N.
Identifiers: ClinVar variation 2785859 (VCV002785859.3), dbSNP rs2073998651, ClinGen allele CA407755537.